The following is an entry in ClinVar:

ClinVar aggregate classification (germline): Benign/Likely benign. Review status: criteria provided, multiple submitters, no conflicts (2 of 4 stars). 5 submissions from 5 submitters: Benign (1); Likely benign (4). Last evaluated 2026-07-14.

Conditions:
Hereditary cancer-predisposing syndrome. Also called: Hereditary Cancer Syndrome; Hereditary neoplastic syndrome; Neoplastic Syndromes, Hereditary; Tumor predisposition. Identifiers: Orphanet 140162, MedGen C0027672, MeSH D009386, MONDO:0015356.
Intellectual disability, autosomal dominant 16 (CSS4). Also called: COFFIN-SIRIS SYNDROME 4. Identifiers: Orphanet 1465, MedGen C3553249, MONDO:0013821, OMIM 614609.
Rhabdoid tumor predisposition syndrome 2 (RTPS2). Identifiers: Orphanet 231108, Orphanet 69077, MedGen C2750074, MONDO:0013224, OMIM 613325.

Allele frequency attached by ClinVar (database versions not stated): TOPMed 0.00001.
gnomAD v4.1: 4 of 1,611,998 alleles (0.00025%); highest among the groups gnomAD compares: Admixed American, 0.0067%; no homozygotes.

Submissions (5):

Myriad Genetics, Inc.
Classification: Benign for Rhabdoid tumor predisposition syndrome 2. Last evaluated: 2026-07-14. Review status: criteria provided, single submitter. Criteria: Myriad Autosomal Dominant, Autosomal Recessive and X-Linked Classification Criteria (2023). Collection method: clinical testing. Allele origin: unknown.
Comment: This variant is considered benign. This variant is a silent/synonymous amino acid change and it is not expected to impact splicing.

Labcorp Genetics (formerly Invitae), Labcorp
Classification: Likely benign for Rhabdoid tumor predisposition syndrome 2. Last evaluated: 2026-01-18. Review status: criteria provided, single submitter. Criteria: Invitae Variant Classification Sherloc (09022015). Collection method: clinical testing. Allele origin: germline.

Quest Diagnostics Nichols Institute San Juan Capistrano
Classification: Likely benign. Last evaluated: 2023-04-26. Review status: criteria provided, single submitter. Criteria: Quest Diagnostics criteria. Collection method: clinical testing. Allele origin: unknown.

Genome-Nilou Lab
Classification: Likely benign for Intellectual disability, autosomal dominant 16. Last evaluated: 2021-07-15. Review status: criteria provided, single submitter. Criteria: ACMG Guidelines, 2015. Collection method: clinical testing. Allele origin: germline. Affected: no.

Ambry Genetics
Classification: Likely benign for Hereditary cancer-predisposing syndrome. Last evaluated: 2018-07-26. Review status: criteria provided, single submitter. Criteria: Ambry Variant Classification Scheme 2023. Collection method: clinical testing. Allele origin: germline.

NM_003072.5(SMARCA4):c.2850C>A (p.Thr950=)

Gene: SMARCA4 (SWI/SNF related BAF chromatin remodeling complex subunit ATPase 4; plus strand). Cytogenetic location: 19p13.2.
Variant type: single nucleotide variant.
Coding change: c.2850C>A on transcript NM_003072.5 (MANE Select); coding-DNA position 2850, C replaced by A.
Protein change: p.Thr950=; no amino-acid change (threonine 950 retained).
Molecular consequence: synonymous variant. On other transcripts: non-coding transcript variant (1).
Genome position (GRCh38, 1-based): chr19:11,021,958, C>A. VCF-style: chr19-11021958-C-A. GRCh37 (hg19) VCF-style: chr19-11132634-C-A.
Other names: c.2850C>A, p.Thr950= (NM_001128844.3, NM_001128845.2, NM_001128846.2 and 5 more transcripts).
Identifiers: ClinVar variation 645083 (VCV000645083.20), dbSNP rs141259126, ClinGen allele CA9204231.
Genomic context (GRCh38, chr19:11,021,958, plus strand): 5'-CACCATCTTCAAGAGCTGCAGCACCTTCGAGCAGTGGTTTAACGCACCCTTTGCCATGAC[C>A]GGGGAAAAGGTGGGTTTGCCCAGCTGTGCCCATGCTGACGGTTCCAGGTGCGGCTGGCTT-3'
Protein context (NP_003063.2, residues 940-960): EQWFNAPFAM[Thr950=]GEKVDLNEEE